The following is an entry in ClinVar:

ClinVar aggregate classification (germline): Uncertain significance (1 of 4 stars; one submission).

Allele frequency attached by ClinVar (database versions not stated): TOPMed below 0.00001; gnomAD exomes 0.00001.
gnomAD v4.1: 11 of 1,551,862 alleles (0.00071%); highest among the groups gnomAD compares: Non-Finnish European, 0.00096%; no homozygotes.

Submission:

Labcorp Genetics (formerly Invitae), Labcorp
Classification: Uncertain significance. Last evaluated: 2022-08-16. Review status: criteria provided, single submitter. Criteria: Invitae Variant Classification Sherloc (09022015). Collection method: clinical testing. Allele origin: germline.
Comment: ClinVar contains an entry for this variant (Variation ID: 1375297). This variant has not been reported in the literature in individuals affected with ZSWIM6-related conditions. This variant is not present in population databases (gnomAD no frequency). This sequence change replaces alanine, which is neutral and non-polar, with threonine, which is neutral and polar, at codon 1089 of the ZSWIM6 protein (p.Ala1089Thr). In summary, the available evidence is currently insufficient to determine the role of this variant in disease. Therefore, it has been classified as a Variant of Uncertain Significance. Algorithms developed to predict the effect of missense changes on protein structure and function (SIFT, PolyPhen-2, Align-GVGD) all suggest that this variant is likely to be tolerated.

NM_020928.2(ZSWIM6):c.3265G>A (p.Ala1089Thr)

Gene: ZSWIM6 (zinc finger SWIM-type containing 6; plus strand). Cytogenetic location: 5q12.1.
Variant type: single nucleotide variant.
Coding change: c.3265G>A on transcript NM_020928.2 (MANE Select); coding-DNA position 3265, G replaced by A.
Protein change: p.Ala1089Thr; replaces alanine 1089 with threonine.
Molecular consequence: missense variant.
Genome position (GRCh38, 1-based): chr5:61,543,934, G>A. VCF-style: chr5-61543934-G-A. GRCh37 (hg19) VCF-style: chr5-60839761-G-A.
Other names: short protein forms A1089T.
Identifiers: ClinVar variation 1375297 (VCV001375297.8), dbSNP rs1749814268, ClinGen allele CA359947227.